The following is an entry in ClinVar:

ClinVar aggregate classification (germline): Likely benign (1 of 4 stars; one submission).

Allele frequency attached by ClinVar (database versions not stated): gnomAD 0.04957 and 0.05015.
gnomAD v4.1: 1,161 of 23,564 alleles (4.9%); highest among the groups gnomAD compares: African/African-American, 9.4%; 10 homozygotes.

Submission:

GeneDx
Classification: Likely benign. Last evaluated: 2018-06-19. Review status: criteria provided, single submitter. Criteria: GeneDx Variant Classification (06012015). Collection method: clinical testing. Allele origin: germline. Affected: yes.
Comment: This variant is considered likely benign or benign based on one or more of the following criteria: it is a conservative change, it occurs at a poorly conserved position in the protein, it is predicted to be benign by multiple in silico algorithms, and/or has population frequency not consistent with disease.

NM_005518.4(HMGCS2):c.1017-316A>T

Gene: HMGCS2 (3-hydroxy-3-methylglutaryl-CoA synthase 2; minus strand). Cytogenetic location: 1p12.
Variant type: single nucleotide variant.
Coding change: c.1017-316A>T on transcript NM_005518.4 (MANE Select); 316 bases into the intron before coding-DNA position 1017, A replaced by T.
Molecular consequence: intron variant.
Genome position (GRCh38, 1-based): chr1:119,755,913, T>A on the plus strand (A>T on the coding strand, the complement: HMGCS2 is on the minus strand). VCF-style: chr1-119755913-T-A. GRCh37 (hg19) VCF-style: chr1-120298536-T-A.
Other names: c.891-316A>T (NM_001166107.1).
Identifiers: ClinVar variation 672114 (VCV000672114.1), dbSNP rs71577113, ClinGen allele CA30271292.